The following is an entry in ClinVar:

ClinVar aggregate classification (germline): Uncertain significance (1 of 4 stars; one submission).

Conditions:
Familial meningioma. Also called: Meningioma, familial, susceptibility to. Identifiers: Orphanet 263662, MedGen C3551915, MONDO:0011789, OMIM 607174.

Submission:

Labcorp Genetics (formerly Invitae), Labcorp
Classification: Uncertain significance for Familial meningioma. Last evaluated: 2023-10-23. Review status: criteria provided, single submitter. Criteria: Invitae Variant Classification Sherloc (09022015). Collection method: clinical testing. Allele origin: germline.
Comment: This sequence change replaces leucine, which is neutral and non-polar, with arginine, which is basic and polar, at codon 202 of the SMARCE1 protein (p.Leu202Arg). This variant is not present in population databases (gnomAD no frequency). This variant has not been reported in the literature in individuals affected with SMARCE1-related conditions. Advanced modeling of protein sequence and biophysical properties (such as structural, functional, and spatial information, amino acid conservation, physicochemical variation, residue mobility, and thermodynamic stability) performed at Invitae indicates that this missense variant is expected to disrupt SMARCE1 protein function. In summary, the available evidence is currently insufficient to determine the role of this variant in disease. Therefore, it has been classified as a Variant of Uncertain Significance.

NM_003079.5(SMARCE1):c.605T>G (p.Leu202Arg)

Gene: SMARCE1 (SWI/SNF related BAF chromatin remodeling complex subunit E1; minus strand). Cytogenetic location: 17q21.2.
Variant type: single nucleotide variant.
Coding change: c.605T>G on transcript NM_003079.5 (MANE Select); coding-DNA position 605, T replaced by G.
Protein change: p.Leu202Arg; replaces leucine 202 with arginine.
Molecular consequence: missense variant.
Genome position (GRCh38, 1-based): chr17:40,632,304, A>C on the plus strand (T>G on the coding strand, the complement: SMARCE1 is on the minus strand). VCF-style: chr17-40632304-A-C. GRCh37 (hg19) VCF-style: chr17-38788556-A-C.
Other names: short protein forms L202R.
Identifiers: ClinVar variation 2771141 (VCV002771141.3), dbSNP rs2508598448, ClinGen allele CA399364770.
Genomic context (GRCh38, chr17:40,632,304, plus strand): 5'-GCTGTTGTGACAACTGACCGAACGTCTGGCACCACACTCTCACTAAGAATTTCACTGATG[A>C]GGCGGTGGTTTCTCTGGAAACGGGCGGTGGCTGTATGCTTCATTGAAAAGCCATCATCAT-3'
Protein context (NP_003070.3, residues 192-212): ATARFQRNHR[Leu202Arg]ISEILSESVV